The following is an entry in ClinVar:

ClinVar aggregate classification (germline): Uncertain significance. Review status: criteria provided, multiple submitters, no conflicts (2 of 4 stars). 2 submissions from 2 submitters: Uncertain significance (2). Last evaluated 2026-09-08.

Conditions:
Fabry disease. Also called: Fabry's disease; ALPHA-GALACTOSIDASE A DEFICIENCY; ANDERSON-FABRY DISEASE; CERAMIDE TRIHEXOSIDASE DEFICIENCY; GLA DEFICIENCY; HEREDITARY DYSTOPIC LIPIDOSIS. Identifiers: Orphanet 324, MedGen C0002986, MONDO:0010526, OMIM 301500, HP:0001071. Disease mechanism: Fabry disease is due to inactivating mutations in the X-linked GLA gene resulting in deficiency of the enzyme Alpha Galactosidase-A., loss of function.

Submissions (2):

Genomenon, Inc
Classification: Uncertain significance for Fabry disease. Last evaluated: 2026-09-08. Review status: criteria provided, single submitter. Criteria: Genomenon Sequence Variant Interpretation Standards - Updated. Collection method: curation. Allele origin: germline. Affected: no.
Comment: GLA p.Asp165Asn (c.493G>A) is a missense variant that changes the amino acid at codon 165 from Aspartic acid to Asparagine. This variant has been reported in the published literature (PMID:31956509;33016649). This variant is located in a mutational hotspot and/or important functional domain. It is absent or not present at a significant frequency in gnomAD. In silico models predict that this variant is possibly or probably damaging. In conclusion, we classify GLA p.Asp165Asn (c.493G>A) as a variant of uncertain significance.

All of Us Research Program, National Institutes of Health
Classification: Uncertain significance for Fabry disease. Last evaluated: 2023-05-31. Review status: criteria provided, single submitter. Criteria: ACMG Guidelines, 2015. Collection method: clinical testing. Allele origin: germline. Inheritance: X-linked inheritance. Observed: 1 variant allele, 1 heterozygote.
Comment: This study involves interpretation of variants in research participants for the purpose of population health screening. Participant phenotype was not available at the time of variant classification. Additional details can be found in publication PMID: 35346344, PMCID: PMC8962531

Literature cited by the submitters: PubMed 31956509 (cited by Genomenon, Inc); PubMed 33016649 (cited by Genomenon, Inc).

NM_000169.3(GLA):c.493G>A (p.Asp165Asn)

Genes: GLA (galactosidase alpha; minus strand), RPL36A-HNRNPH2 (RPL36A-HNRNPH2 readthrough; plus strand). Cytogenetic location: Xq22.1.
Variant type: single nucleotide variant.
Coding change: c.493G>A on transcript NM_000169.3 (MANE Select); coding-DNA position 493, G replaced by A.
Protein change: p.Asp165Asn; replaces aspartic acid 165 with asparagine.
Molecular consequence: missense variant. On other transcripts: non-coding transcript variant (3), intron variant (2).
Genome position (GRCh38, 1-based): chrX:101,401,686, C>T on the plus strand (G>A on the coding strand, the complement: GLA is on the minus strand). VCF-style: chrX-101401686-C-T. GRCh37 (hg19) VCF-style: chrX-100656674-C-T.
Other names: c.616G>A, p.Asp206Asn (NM_001406747.1, NM_001406749.1); c.493G>A, p.Asp165Asn (NM_001406748.1); c.300+6229C>T (NM_001199973.2); c.177+9864C>T (NM_001199974.2); short protein forms D165N, D206N.
Identifiers: ClinVar variation 3071383 (VCV003071383.3), dbSNP rs869312312, ClinGen allele CA413929092.
Genomic context (GRCh38, chrX:101,401,686, plus strand): 5'-CATTACCATCTGCCAAATTTTCCAAACTGTCACAGTAACAACCATCAAATTTTAGCAGAT[C>T]TACTCCCCAGTCAGCAAAGGTCTGGGCATCAATGTCGTAGTATCCAAAACTCCCAGGGAA-3'
Protein context (NP_000160.1, residues 155-175): DAQTFADWGV[Asp165Asn]LLKFDGCYCD